The following is an entry in ClinVar:

ClinVar aggregate classification (germline): Uncertain significance (1 of 4 stars; one submission).

Submission:

Labcorp Genetics (formerly Invitae), Labcorp
Classification: Uncertain significance. Last evaluated: 2022-06-01. Review status: criteria provided, single submitter. Criteria: Invitae Variant Classification Sherloc (09022015). Collection method: clinical testing. Allele origin: germline.
Comment: A copy number gain of the genomic region encompassing the full coding sequence of the TRAPPC9 gene has been identified. The boundaries of this event are unknown as they extend beyond the assayed region for this gene and therefore may encompass additional genes. As the precise location of this event is unknown, it may be in tandem or it may be located elsewhere in the genome. This variant has not been reported in the literature in individuals affected with TRAPPC9-related conditions. In summary, the available evidence is currently insufficient to determine the role of this variant in disease. Therefore, it has been classified as a Variant of Uncertain Significance.

NC_000008.10:g.(?_139601496)_(141468663_?)dup

Genes: C8orf17 (chromosome 8 putative open reading frame 17; plus strand), COL22A1 (collagen type XXII alpha 1 chain; minus strand), KCNK9 (potassium two pore domain channel subfamily K member 9; minus strand), TRAPPC9 (trafficking protein particle complex subunit 9; minus strand). Cytogenetic location: 8q24.23-24.3.
Variant type: Duplication.
Identifiers: ClinVar variation 2426980 (VCV002426980.2).